The following is an entry in ClinVar:

NM_178822.5(IGSF10):c.1357T>G (p.Ser453Ala)

Gene: IGSF10 (immunoglobulin superfamily member 10; minus strand). Cytogenetic location: 3q25.1.
Variant type: single nucleotide variant.
Coding change: c.1357T>G on transcript NM_178822.5 (MANE Select); coding-DNA position 1357, T replaced by G.
Protein change: p.Ser453Ala; replaces serine 453 with alanine.
Molecular consequence: missense variant.
Genome position (GRCh38, 1-based): chr3:151,448,624, A>C on the plus strand (T>G on the coding strand, the complement: IGSF10 is on the minus strand). VCF-style: chr3-151448624-A-C. GRCh37 (hg19) VCF-style: chr3-151166412-A-C.
Other names: c.1357T>G, p.Ser453Ala (NM_001385060.1, NM_001385061.1, NM_001385062.1 and 1 more transcripts); c.1357T>G (NM_178822.4); short protein forms S453A.
Identifiers: ClinVar variation 3606758 (VCV003606758.3).

ClinVar aggregate classification (germline): Uncertain significance. Review status: criteria provided, multiple submitters, no conflicts (2 of 4 stars). 2 submissions from 2 submitters: Uncertain significance (2). Last evaluated 2025-08-26.

gnomAD v4.1: 30 of 1,613,956 alleles (0.0019%); highest among the groups gnomAD compares: Admixed American, 0.0067%; no homozygotes.

Submissions (2):

Ambry Genetics
Classification: Uncertain significance. Last evaluated: 2025-08-26. Review status: criteria provided, single submitter. Criteria: Ambry Variant Classification Scheme 2023. Collection method: clinical testing. Allele origin: germline.

Labcorp Genetics (formerly Invitae), Labcorp
Classification: Uncertain significance. Last evaluated: 2024-11-08. Review status: criteria provided, single submitter. Criteria: Invitae Variant Classification Sherloc (09022015). Collection method: clinical testing. Allele origin: germline.
Comment: This sequence change replaces serine, which is neutral and polar, with alanine, which is neutral and non-polar, at codon 453 of the IGSF10 protein (p.Ser453Ala). This variant is present in population databases (rs780390592, gnomAD 0.01%). This variant has not been reported in the literature in individuals affected with IGSF10-related conditions. An algorithm developed to predict the effect of missense changes on protein structure and function outputs the following: PolyPhen-2: "Benign". The alanine amino acid residue is found in multiple mammalian species, which suggests that this missense change does not adversely affect protein function. In summary, the available evidence is currently insufficient to determine the role of this variant in disease. Therefore, it has been classified as a Variant of Uncertain Significance.